The following is an entry in ClinVar:

NM_183357.3(ADCY5):c.355C>G (p.Arg119Gly)

Gene: ADCY5 (adenylate cyclase 5; minus strand). Cytogenetic location: 3q21.1.
Variant type: single nucleotide variant.
Coding change: c.355C>G on transcript NM_183357.3 (MANE Select); coding-DNA position 355, C replaced by G.
Protein change: p.Arg119Gly; replaces arginine 119 with glycine.
Molecular consequence: missense variant.
Genome position (GRCh38, 1-based): chr3:123,448,191, G>C on the plus strand (C>G on the coding strand, the complement: ADCY5 is on the minus strand). VCF-style: chr3-123448191-G-C. GRCh37 (hg19) VCF-style: chr3-123167038-G-C.
Other names: c.355C>G, p.Arg119Gly (NM_001378259.1); short protein forms R119G.
Identifiers: ClinVar variation 4769937 (VCV004769937.1).

ClinVar aggregate classification (germline): Uncertain significance (1 of 4 stars; one submission).

Submission:

Labcorp Genetics (formerly Invitae), Labcorp
Classification: Uncertain significance. Last evaluated: 2026-01-05. Review status: criteria provided, single submitter. Criteria: Invitae Variant Classification Sherloc (09022015). Collection method: clinical testing. Allele origin: germline.
Comment: This sequence change replaces arginine, which is basic and polar, with glycine, which is neutral and non-polar, at codon 119 of the ADCY5 protein (p.Arg119Gly). The frequency data for this variant in the population databases is considered unreliable, as metrics indicate insufficient coverage at this position in the gnomAD database. This variant has not been reported in the literature in individuals affected with ADCY5-related conditions. Invitae Evidence Modeling of protein sequence and biophysical properties (such as structural, functional, and spatial information, amino acid conservation, physicochemical variation, residue mobility, and thermodynamic stability) has been performed for this missense variant. However, the output from this modeling did not meet the statistical confidence thresholds required to predict the impact of this variant on ADCY5 protein function. In summary, the available evidence is currently insufficient to determine the role of this variant in disease. Therefore, it has been classified as a Variant of Uncertain Significance.